The following is an entry in ClinVar:

ClinVar aggregate classification (germline): Uncertain significance (1 of 4 stars; one submission).

gnomAD v4.1: 2 of 1,614,160 alleles (0.00012%); highest among the groups gnomAD compares: African/African-American, 0.0013%; no homozygotes.

Submission:

GeneDx
Classification: Uncertain significance. Last evaluated: 2025-02-23. Review status: criteria provided, single submitter. Criteria: GeneDx Variant Classification Process June 2021. Collection method: clinical testing. Allele origin: germline.
Comment: In silico analysis indicates that this missense variant does not alter protein structure/function; Has not been previously published as pathogenic or benign to our knowledge

NM_015972.4(POLR1D):c.324A>T (p.Gln108His)

Genes: POLR1D (RNA polymerase I and III subunit D; plus strand), LOC147380392 (uncharacterized LOC147380392; plus strand). Cytogenetic location: 13q12.2.
Variant type: single nucleotide variant.
Coding change: c.324A>T on transcript NM_015972.4 (MANE Select); coding-DNA position 324, A replaced by T.
Protein change: p.Gln108His; replaces glutamine 108 with histidine.
Molecular consequence: missense variant. On other transcripts: intron variant (2).
Genome position (GRCh38, 1-based): chr13:27,623,172, A>T. VCF-style: chr13-27623172-A-T. GRCh37 (hg19) VCF-style: chr13-28197309-A-T.
Other names: c.324A>T, p.Gln108His (NM_001374407.1); c.-59+2032A>T (NM_001206559.2); c.26+1163A>T (NM_152705.3); short protein forms Q108H.
Identifiers: ClinVar variation 3369827 (VCV003369827.2).